The following is an entry in ClinVar:

NM_001318734.2(KLC2):c.375G>A (p.Gln125=)

Genes: KLC2 (kinesin light chain 2; plus strand), KLC2-AS1 (KLC2 antisense RNA 1; minus strand). Cytogenetic location: 11q13.2.
Variant type: single nucleotide variant.
Coding change: c.375G>A on transcript NM_001318734.2 (MANE Select); coding-DNA position 375, G replaced by A.
Protein change: p.Gln125=; no amino-acid change (glutamine 125 retained).
Molecular consequence: synonymous variant. On other transcripts: non-coding transcript variant (1), intron variant (1).
Genome position (GRCh38, 1-based): chr11:66,261,888, G>A. VCF-style: chr11-66261888-G-A. GRCh37 (hg19) VCF-style: chr11-66029359-G-A.
Other names: c.375G>A, p.Gln125= (NM_001134775.2, NM_001134776.2, NM_022822.3); c.229-235G>A (NM_001134774.2).
Identifiers: ClinVar variation 4280981 (VCV004280981.7).

ClinVar aggregate classification (germline): Likely benign (1 of 4 stars; one submission).

gnomAD v4.1: 30 of 1,614,234 alleles (0.0019%); highest among the groups gnomAD compares: African/African-American, 0.036%; no homozygotes.

Submission:

CeGaT Center for Human Genetics Tuebingen
Classification: Likely benign. Last evaluated: 2025-09-01. Review status: criteria provided, single submitter. Criteria: CeGaT Center For Human Genetics Tuebingen Variant Classification Criteria Version 2. Collection method: clinical testing. Allele origin: germline. Affected: yes. Observed: 1 variant allele.
Comment: KLC2: BP4, BP7